The following is an entry in ClinVar:

NM_152703.5(SAMD9L):c.692C>A (p.Ser231Ter)

Gene: SAMD9L (sterile alpha motif domain containing 9 like; minus strand). Cytogenetic location: 7q21.2.
Variant type: single nucleotide variant.
Coding change: c.692C>A on transcript NM_152703.5 (MANE Select); coding-DNA position 692, C replaced by A.
Protein change: p.Ser231Ter; replaces serine 231 with a stop codon.
Molecular consequence: nonsense.
Genome position (GRCh38, 1-based): chr7:93,135,280, G>T on the plus strand (C>A on the coding strand, the complement: SAMD9L is on the minus strand). VCF-style: chr7-93135280-G-T. GRCh37 (hg19) VCF-style: chr7-92764593-G-T.
Other names: c.692C>A, p.Ser231Ter (NM_001303496.3, NM_001303497.3, NM_001303498.3 and 5 more transcripts); short protein forms S231*.
Identifiers: ClinVar variation 4714583 (VCV004714583.1).

ClinVar aggregate classification (germline): Uncertain significance (1 of 4 stars; one submission).

gnomAD v4.1: 2 of 1,614,000 alleles (0.00012%); highest among the groups gnomAD compares: African/African-American, 0.0027%; no homozygotes.

Submission:

Labcorp Genetics (formerly Invitae), Labcorp
Classification: Uncertain significance. Last evaluated: 2025-03-13. Review status: criteria provided, single submitter. Criteria: Invitae Variant Classification Sherloc (09022015). Collection method: clinical testing. Allele origin: germline.
Comment: This sequence change creates a premature translational stop signal (p.Ser231*) in the SAMD9L gene. While this is not anticipated to result in nonsense mediated decay, it is expected to disrupt the last 1354 amino acid(s) of the SAMD9L protein. This variant is not present in population databases (gnomAD no frequency). This variant has not been reported in the literature in individuals affected with SAMD9L-related conditions. Experimental studies and prediction algorithms are not available or were not evaluated, and the functional significance of this variant is currently unknown. In summary, the available evidence is currently insufficient to determine the role of this variant in disease. Therefore, it has been classified as a Variant of Uncertain Significance.